The following is an entry in ClinVar:

NM_020949.3(SLC7A14):c.2255A>C (p.Lys752Thr)

Gene: SLC7A14 (solute carrier family 7 member 14; minus strand). Cytogenetic location: 3q26.2.
Variant type: single nucleotide variant.
Coding change: c.2255A>C on transcript NM_020949.3 (MANE Select); coding-DNA position 2255, A replaced by C.
Protein change: p.Lys752Thr; replaces lysine 752 with threonine.
Molecular consequence: missense variant.
Genome position (GRCh38, 1-based): chr3:170,467,116, T>G on the plus strand (A>C on the coding strand, the complement: SLC7A14 is on the minus strand). VCF-style: chr3-170467116-T-G. GRCh37 (hg19) VCF-style: chr3-170184904-T-G.
Other names: short protein forms K752T.
Identifiers: ClinVar variation 2986444 (VCV002986444.3), dbSNP rs2473350767, ClinGen allele CA355483372.

ClinVar aggregate classification (germline): Uncertain significance (1 of 4 stars; one submission).

Allele frequency attached by ClinVar (database versions not stated): gnomAD exomes below 0.00001.
gnomAD v4.1: 1 of 1,613,778 alleles (0.000062%); highest among the groups gnomAD compares: Non-Finnish European, 0.000085%; no homozygotes.

Submission:

Labcorp Genetics (formerly Invitae), Labcorp
Classification: Uncertain significance. Last evaluated: 2023-12-03. Review status: criteria provided, single submitter. Criteria: Invitae Variant Classification Sherloc (09022015). Collection method: clinical testing. Allele origin: germline.
Comment: This sequence change replaces lysine, which is basic and polar, with threonine, which is neutral and polar, at codon 752 of the SLC7A14 protein (p.Lys752Thr). This variant is not present in population databases (gnomAD no frequency). This variant has not been reported in the literature in individuals affected with SLC7A14-related conditions. An algorithm developed to predict the effect of missense changes on protein structure and function (PolyPhen-2) suggests that this variant is likely to be tolerated. In summary, the available evidence is currently insufficient to determine the role of this variant in disease. Therefore, it has been classified as a Variant of Uncertain Significance.